The following is an entry in ClinVar:

ClinVar aggregate classification (germline): Likely pathogenic (1 of 4 stars; one submission).

Conditions:
Combined osteogenesis imperfecta and Ehlers-Danlos syndrome 1. Also called: OIEDS SYNDROME 1. Identifiers: MedGen C5436842, MONDO:0030854, OMIM 619115.

Submission:

3billion
Classification: Likely pathogenic for Combined osteogenesis imperfecta and Ehlers-Danlos syndrome 1. Last evaluated: 2023-12-10. Review status: criteria provided, single submitter. Criteria: ACMG Guidelines, 2015. Collection method: clinical testing. Allele origin: germline. Affected: yes.
Comment: The variant is not observed in the gnomAD v2.1.1 dataset. Predicted Consequence/Location: Canonical splice site: predicted to alter splicing and result in a loss or disruption of normal protein function. Multiple pathogenic loss-of-function variants are reported downstream of the variant. In silico tools predict the variant to alter splicing and produce an abnormal transcript [Splice AI: 0.99 (spliceogenicity >=0.2, non-spliceogenicity <0.1)]. Therefore, this variant is classified as Likely pathogenic according to the recommendation of ACMG/AMP guideline.

NM_000088.4(COL1A1):c.543+2T>G

Gene: COL1A1 (collagen type I alpha 1 chain; minus strand). Cytogenetic location: 17q21.33.
Variant type: single nucleotide variant.
Coding change: c.543+2T>G on transcript NM_000088.4 (MANE Select); the canonical splice donor site of the intron after coding-DNA position 543, T replaced by G.
Molecular consequence: splice donor variant.
Genome position (GRCh38, 1-based): chr17:50,198,431, A>C on the plus strand (T>G on the coding strand, the complement: COL1A1 is on the minus strand). VCF-style: chr17-50198431-A-C. GRCh37 (hg19) VCF-style: chr17-48275792-A-C.
Identifiers: ClinVar variation 3775743 (VCV003775743.1).